The following is an entry in ClinVar:

ClinVar aggregate classification (germline): Uncertain significance (1 of 4 stars; one submission).

Submission:

Labcorp Genetics (formerly Invitae), Labcorp
Classification: Uncertain significance. Last evaluated: 2025-09-27. Review status: criteria provided, single submitter. Criteria: Invitae Variant Classification Sherloc (09022015). Collection method: clinical testing. Allele origin: germline.
Comment: This sequence change replaces glycine, which is neutral and non-polar, with tryptophan, which is neutral and slightly polar, at codon 359 of the FSCN2 protein (p.Gly359Trp). This variant is not present in population databases (gnomAD no frequency). This variant has not been reported in the literature in individuals affected with FSCN2-related conditions. An algorithm developed to predict the effect of missense changes on protein structure and function (PolyPhen-2) suggests that this variant is likely to be disruptive. In summary, the available evidence is currently insufficient to determine the role of this variant in disease. Therefore, it has been classified as a Variant of Uncertain Significance.

NM_012418.4(FSCN2):c.1075G>T (p.Gly359Trp)

Gene: FSCN2 (fascin actin-bundling protein 2, retinal; plus strand). Cytogenetic location: 17q25.3.
Variant type: single nucleotide variant.
Coding change: c.1075G>T on transcript NM_012418.4 (MANE Select); coding-DNA position 1075, G replaced by T.
Protein change: p.Gly359Trp; replaces glycine 359 with tryptophan.
Molecular consequence: missense variant.
Genome position (GRCh38, 1-based): chr17:81,536,237, G>T. VCF-style: chr17-81536237-G-T. GRCh37 (hg19) VCF-style: chr17-79503263-G-T.
Other names: c.1075G>T, p.Gly359Trp (NM_001077182.3); short protein forms G359W.
Identifiers: ClinVar variation 4717790 (VCV004717790.1).
Genomic context (GRCh38, chr17:81,536,237, plus strand): 5'-CGTGGCCGGCGGGTAGCACTCAAAGCCAGCAACGGGCGCTACGTGTGCATGAAGAAGAAT[G>T]GGCAGCTGGCGGCTATCAGCGATTTTGTCGGTGAGCACTCTGCCTGCCAGGTACTGGGGC-3'
Protein context (NP_036550.1, residues 349-369): NGRYVCMKKN[Gly359Trp]QLAAISDFVG